The following is an entry in ClinVar:

NM_000238.4(KCNH2):c.961G>C (p.Asp321His)

Gene: KCNH2 (potassium voltage-gated channel subfamily H member 2; minus strand). Cytogenetic location: 7q36.1.
Variant type: single nucleotide variant.
Coding change: c.961G>C on transcript NM_000238.4 (MANE Select); coding-DNA position 961, G replaced by C.
Protein change: p.Asp321His; replaces aspartic acid 321 with histidine.
Molecular consequence: missense variant.
Genome position (GRCh38, 1-based): chr7:150,957,458, C>G on the plus strand (G>C on the coding strand, the complement: KCNH2 is on the minus strand). VCF-style: chr7-150957458-C-G. GRCh37 (hg19) VCF-style: chr7-150654546-C-G.
Other names: c.673G>C, p.Asp225His (NM_001406753.1, NM_001406756.1); c.784G>C, p.Asp262His (NM_001406755.1); c.661G>C, p.Asp221His (NM_001406757.1); c.961G>C, p.Asp321His (NM_172056.3); short protein forms D321H, D221H, D225H, D262H.
Identifiers: ClinVar variation 1386490 (VCV001386490.7), dbSNP rs886062089, ClinGen allele CA369861806.
Genomic context (GRCh38, chr7:150,957,458, plus strand): 5'-CAAAGTTGAGGGTGATTTGGGGAATCTTGCTAATGGTGCGGTAGCGCACGAGGTCGGAGT[C>G]CGAGGTGGAGTTGAGCAAGCCGCTGCGCAGTGGGTGCATGGCCCCTAGGTGGAGAGGCAG-3'
Protein context (NP_000229.1, residues 311-331): LRSGLLNSTS[Asp321His]SDLVRYRTIS

ClinVar aggregate classification (germline): Uncertain significance (1 of 4 stars; one submission).

Conditions:
Long QT syndrome (LQTS). Identifiers: MedGen C0023976, MeSH D008133, MONDO:0002442. Disease mechanism: loss of function. Inheritance: Various modes of inheritance.

gnomAD v4.1: 7 of 1,614,128 alleles (0.00043%); highest among the groups gnomAD compares: Non-Finnish European, 0.00042%; no homozygotes.

Submission:

Labcorp Genetics (formerly Invitae), Labcorp
Classification: Uncertain significance for Long QT syndrome. Last evaluated: 2021-10-13. Review status: criteria provided, single submitter. Criteria: Invitae Variant Classification Sherloc (09022015). Collection method: clinical testing. Allele origin: germline.
Comment: This sequence change replaces aspartic acid with histidine at codon 321 of the KCNH2 protein (p.Asp321His). The aspartic acid residue is weakly conserved and there is a moderate physicochemical difference between aspartic acid and histidine. In summary, the available evidence is currently insufficient to determine the role of this variant in disease. Therefore, it has been classified as a Variant of Uncertain Significance. Algorithms developed to predict the effect of missense changes on protein structure and function are either unavailable or do not agree on the potential impact of this missense change (SIFT: "Tolerated"; PolyPhen-2: "Probably Damaging"; Align-GVGD: "Class C0"). This variant has not been reported in the literature in individuals affected with KCNH2-related conditions. This variant is not present in population databases (ExAC no frequency).